The following is an entry in ClinVar:

NM_001351132.2(PEX5):c.1879G>C (p.Asp627His)

Gene: PEX5 (peroxisomal biogenesis factor 5; plus strand). Cytogenetic location: 12p13.31.
Variant type: single nucleotide variant.
Coding change: c.1879G>C on transcript NM_001351132.2 (MANE Select); coding-DNA position 1879, G replaced by C.
Protein change: p.Asp627His; replaces aspartic acid 627 with histidine.
Molecular consequence: missense variant.
Genome position (GRCh38, 1-based): chr12:7,210,182, G>C. VCF-style: chr12-7210182-G-C. GRCh37 (hg19) VCF-style: chr12-7362778-G-C.
Other names: c.1855G>C, p.Asp619His (NM_000319.5); c.1924G>C, p.Asp642His (NM_001131023.2); c.1768G>C, p.Asp590His (NM_001131024.2, NM_001351124.3, NM_001351126.2 and 7 more transcripts); c.1879G>C, p.Asp627His (NM_001131025.2, NM_001131026.2, NM_001300789.3 and 4 more transcripts); c.1813G>C, p.Asp605His (NM_001351135.3, NM_001351138.2); c.1870G>C, p.Asp624His (NM_001351136.2); c.1744G>C, p.Asp582His (NM_001351139.2, NM_001351140.2, NM_001374649.2); short protein forms D582H, D590H, D605H, D619H, D624H, D627H, D642H.
Identifiers: ClinVar variation 4056942 (VCV004056942.1).

ClinVar aggregate classification (germline): Uncertain significance (1 of 4 stars; one submission).

Submission:

GeneDx
Classification: Uncertain significance. Last evaluated: 2025-01-10. Review status: criteria provided, single submitter. Criteria: GeneDx Variant Classification Process June 2021. Collection method: clinical testing. Allele origin: germline. Affected: yes.
Comment: Not observed at significant frequency in large population cohorts (gnomAD); In silico analysis supports that this missense variant has a deleterious effect on protein structure/function; Has not been previously published as pathogenic or benign to our knowledge